The following is an entry in ClinVar:

NM_007294.4(BRCA1):c.1199A>G (p.Asp400Gly)

Gene: BRCA1 (BRCA1 DNA repair associated; minus strand). Cytogenetic location: 17q21.31.
Variant type: single nucleotide variant.
Coding change: c.1199A>G on transcript NM_007294.4 (MANE Select); coding-DNA position 1199, A replaced by G.
Protein change: p.Asp400Gly; replaces aspartic acid 400 with glycine.
Molecular consequence: missense variant. On other transcripts: intron variant (137).
Genome position (GRCh38, 1-based): chr17:43,094,332, T>C on the plus strand (A>G on the coding strand, the complement: BRCA1 is on the minus strand). VCF-style: chr17-43094332-T-C. GRCh37 (hg19) VCF-style: chr17-41246349-T-C.
Other names: c.1076A>G, p.Asp359Gly (NM_001407667.1, NM_001407669.1, NM_001407668.1 and 19 more transcripts); c.1073A>G, p.Asp358Gly (NM_001407672.1, NM_001407673.1, NM_001407670.1 and 11 more transcripts); c.986A>G, p.Asp329Gly (NM_001407571.1, NM_001407853.1, NM_001407894.1 and 9 more transcripts); c.1199A>G, p.Asp400Gly (NM_001407581.1, NM_001407582.1, NM_001407583.1 and 30 more transcripts); c.1196A>G, p.Asp399Gly (NM_001407587.1, NM_001407590.1, NM_001407591.1 and 22 more transcripts); c.1190A>G, p.Asp397Gly (NM_001407646.1, NM_001407647.1); c.1121A>G, p.Asp374Gly (NM_001407653.1, NM_001407654.1, NM_001407655.1 and 4 more transcripts); c.1118A>G, p.Asp373Gly (NM_001407659.1, NM_001407660.1, NM_001407661.1 and 1 more transcripts); and 40 more; short protein forms D400G, D353G, D311G, D358G, D373G, D374G, D232G, D289G.
Identifiers: ClinVar variation 441494 (VCV000441494.16), dbSNP rs1555592245, ClinGen allele CA10599652.

ClinVar aggregate classification (germline): Conflicting classifications of pathogenicity. Review status: criteria provided, conflicting classifications (1 of 4 stars). 3 submissions from 3 submitters: Uncertain significance (2); Likely benign (1). Last evaluated 2025-10-30.

Conditions:
Hereditary cancer-predisposing syndrome. Also called: Hereditary Cancer Syndrome; Hereditary neoplastic syndrome; Neoplastic Syndromes, Hereditary; Tumor predisposition. Identifiers: Orphanet 140162, MedGen C0027672, MeSH D009386, MONDO:0015356.
Hereditary breast ovarian cancer syndrome. Also called: Hereditary breast and ovarian cancer; Breast and ovarian cancer; Hereditary breast and ovarian cancer syndrome; Hereditary breast and/or ovarian cancer syndrome; BRCA1- and BRCA2-Associated Hereditary Breast and Ovarian Cancer; Hereditary breast and ovarian cancer syndrome (HBOC). Identifiers: Orphanet 145, MedGen C0677776, MeSH D061325, MONDO:0003582. Disease mechanism: loss of function.

Allele frequency attached by ClinVar (database versions not stated): gnomAD exomes below 0.00001.

Submissions (3):

Ambry Genetics
Classification: Uncertain significance for Hereditary cancer-predisposing syndrome. Last evaluated: 2025-10-30. Review status: criteria provided, single submitter. Criteria: Ambry Variant Classification Scheme 2023. Collection method: clinical testing. Allele origin: germline.
Comment: The p.D400G variant (also known as c.1199A>G), located in coding exon 9 of the BRCA1 gene, results from an A to G substitution at nucleotide position 1199. The aspartic acid at codon 400 is replaced by glycine, an amino acid with similar properties. This amino acid position is not well conserved in available vertebrate species. In addition, the in silico prediction for this alteration is inconclusive. Since supporting evidence is limited at this time, the clinical significance of this alteration remains unclear.

University of Washington Department of Laboratory Medicine, University of Washington
Classification: Likely benign for Hereditary cancer-predisposing syndrome. Last evaluated: 2023-03-23. Review status: criteria provided, single submitter. Criteria: Dines et al. (Genet Med. 2020). Collection method: curation. Allele origin: germline.
Comment: Missense variant in a coldspot region where missense variants are very unlikely to be pathogenic (PMID:31911673).

BRCA1 coldspot (exon 11 using historical exon numbering). Reclassification based on statistical prior probability

Labcorp Genetics (formerly Invitae), Labcorp
Classification: Uncertain significance for Hereditary breast ovarian cancer syndrome. Last evaluated: 2021-09-29. Review status: criteria provided, single submitter. Criteria: Invitae Variant Classification Sherloc (09022015). Collection method: clinical testing. Allele origin: germline.
Comment: This sequence change replaces aspartic acid with glycine at codon 400 of the BRCA1 protein (p.Asp400Gly). The aspartic acid residue is moderately conserved and there is a moderate physicochemical difference between aspartic acid and glycine. In summary, the available evidence is currently insufficient to determine the role of this variant in disease. Therefore, it has been classified as a Variant of Uncertain Significance. Algorithms developed to predict the effect of sequence changes on RNA splicing suggest that this variant may create or strengthen a splice site. Algorithms developed to predict the effect of missense changes on protein structure and function (SIFT, PolyPhen-2, Align-GVGD) all suggest that this variant is likely to be tolerated. ClinVar contains an entry for this variant (Variation ID: 441494). This missense change has been observed in individual(s) with clinical features of BRCA1-related conditions (PMID: 21520333). This variant is not present in population databases (ExAC no frequency).

Literature cited by the submitters: PubMed 21520333 (cited by Labcorp Genetics (formerly Invitae), Labcorp).